The following is an entry in ClinVar:

NM_001378969.1(KCND3):c.1914C>G (p.Pro638=)

Gene: KCND3 (potassium voltage-gated channel subfamily D member 3; minus strand). Cytogenetic location: 1p13.2.
Variant type: single nucleotide variant.
Coding change: c.1914C>G on transcript NM_001378969.1 (MANE Select); coding-DNA position 1914, C replaced by G.
Protein change: p.Pro638=; no amino-acid change (proline 638 retained).
Molecular consequence: synonymous variant.
Genome position (GRCh38, 1-based): chr1:111,776,131, G>C on the plus strand (C>G on the coding strand, the complement: KCND3 is on the minus strand). VCF-style: chr1-111776131-G-C. GRCh37 (hg19) VCF-style: chr1-112318753-G-C.
Other names: c.1857C>G, p.Pro619= (NM_001378970.1, NM_172198.3); c.1914C>G, p.Pro638= (NM_004980.5).
Identifiers: ClinVar variation 4682322 (VCV004682322.1).
Genomic context (GRCh38, chr1:111,776,131, plus strand): 5'-GTGGTTTTACAAGGCGGAGACCTTGACAACATTGCTGGCTATGGAAGGAATGTTCGTGTT[G>C]GGGCCTGGGCTGGCAGGGGGTGGCCGACTTTCCCCCTCTGGGGTTAGCGCTGGGGGAGTG-3'
Protein context (NP_001365898.1, residues 628-648): ESRPPPASPG[Pro638=]NTNIPSIASN

ClinVar aggregate classification (germline): Uncertain significance (1 of 4 stars; one submission).

Submission:

Athena Diagnostics
Classification: Uncertain significance. Last evaluated: 2025-05-09. Review status: criteria provided, single submitter. Criteria: Athena Diagnostics Criteria. Collection method: clinical testing. Allele origin: unknown.
Comment: Available data are insufficient to determine the clinical significance of the variant at this time. This variant has not been reported in large, multi-ethnic general populations. Computational tools yielded predictions that this variant is unlikely to have an effect on normal RNA splicing.